The following is an entry in ClinVar:

NM_017654.4(SAMD9):c.1408G>A (p.Val470Ile)

Gene: SAMD9 (sterile alpha motif domain containing 9; minus strand). Cytogenetic location: 7q21.2.
Variant type: single nucleotide variant.
Coding change: c.1408G>A on transcript NM_017654.4 (MANE Select); coding-DNA position 1408, G replaced by A.
Protein change: p.Val470Ile; replaces valine 470 with isoleucine.
Molecular consequence: missense variant.
Genome position (GRCh38, 1-based): chr7:93,104,690, C>T on the plus strand (G>A on the coding strand, the complement: SAMD9 is on the minus strand). VCF-style: chr7-93104690-C-T. GRCh37 (hg19) VCF-style: chr7-92734003-C-T.
Other names: c.1408G>A, p.Val470Ile (NM_001193307.2); short protein forms V470I.
Identifiers: ClinVar variation 3791912 (VCV003791912.2).

ClinVar aggregate classification (germline): Uncertain significance. Review status: criteria provided, multiple submitters, no conflicts (2 of 4 stars). 2 submissions from 2 submitters: Uncertain significance (2). Last evaluated 2025-02-04.

Conditions:
Inborn genetic diseases. Identifiers: MedGen C0950123, MeSH D030342.

gnomAD v4.1: 1 of 1,613,998 alleles (0.000062%); highest among the groups gnomAD compares: Admixed American, 0.0017%; no homozygotes.

Submissions (2):

Labcorp Genetics (formerly Invitae), Labcorp
Classification: Uncertain significance. Last evaluated: 2025-02-04. Review status: criteria provided, single submitter. Criteria: Invitae Variant Classification Sherloc (09022015). Collection method: clinical testing. Allele origin: germline.
Comment: This sequence change replaces valine, which is neutral and non-polar, with isoleucine, which is neutral and non-polar, at codon 470 of the SAMD9 protein (p.Val470Ile). This variant is present in population databases (no rsID available, gnomAD 0.003%). This variant has not been reported in the literature in individuals affected with SAMD9-related conditions. Invitae Evidence Modeling of protein sequence and biophysical properties (such as structural, functional, and spatial information, amino acid conservation, physicochemical variation, residue mobility, and thermodynamic stability) indicates that this missense variant is not expected to disrupt SAMD9 protein function with a negative predictive value of 95%. In summary, the available evidence is currently insufficient to determine the role of this variant in disease. Therefore, it has been classified as a Variant of Uncertain Significance.

Ambry Genetics
Classification: Uncertain significance for Inborn genetic diseases. Last evaluated: 2024-12-15. Review status: criteria provided, single submitter. Criteria: Ambry Variant Classification Scheme 2023. Collection method: clinical testing. Allele origin: germline.
Comment: The p.V470I variant (also known as c.1408G>A), located in coding exon 1 of the SAMD9 gene, results from a G to A substitution at nucleotide position 1408. The valine at codon 470 is replaced by isoleucine, an amino acid with highly similar properties. This amino acid position is conserved. In addition, this alteration is predicted to be tolerated by in silico analysis. Based on the available evidence, the clinical significance of this variant remains unclear.